The following is an entry in ClinVar:

ClinVar aggregate classification (germline): Uncertain significance (1 of 4 stars; one submission).

Conditions:
Inborn genetic diseases. Identifiers: MedGen C0950123, MeSH D030342.

Submission:

Ambry Genetics
Classification: Uncertain significance for Inborn genetic diseases. Last evaluated: 2026-05-14. Review status: criteria provided, single submitter. Criteria: Ambry Variant Classification Scheme 2023. Collection method: clinical testing. Allele origin: germline.
Comment: The p.I861V variant (also known as c.2581A>G), located in coding exon 14 of the FANCM gene, results from an A to G substitution at nucleotide position 2581. The isoleucine at codon 861 is replaced by valine, an amino acid with highly similar properties. This amino acid position is conserved. In addition, this alteration is predicted to be tolerated by in silico analysis. Based on the available evidence, the clinical significance of this variant remains unclear.

NM_020937.4(FANCM):c.2581A>G (p.Ile861Val)

Gene: FANCM (FA complementation group M; plus strand). Cytogenetic location: 14q21.2.
Variant type: single nucleotide variant.
Coding change: c.2581A>G on transcript NM_020937.4 (MANE Select); coding-DNA position 2581, A replaced by G.
Protein change: p.Ile861Val; replaces isoleucine 861 with valine.
Molecular consequence: missense variant.
Genome position (GRCh38, 1-based): chr14:45,175,335, A>G. VCF-style: chr14-45175335-A-G. GRCh37 (hg19) VCF-style: chr14-45644538-A-G.
Other names: c.2503A>G, p.Ile835Val (NM_001308133.2); short protein forms I835V, I861V.
Identifiers: ClinVar variation 4871131 (VCV004871131.1).